The following is an entry in ClinVar:

NM_013275.6(ANKRD11):c.3041G>T (p.Gly1014Val)

Gene: ANKRD11 (ankyrin repeat domain 11; minus strand). Cytogenetic location: 16q24.3.
Variant type: single nucleotide variant.
Coding change: c.3041G>T on transcript NM_013275.6 (MANE Select); coding-DNA position 3041, G replaced by T.
Protein change: p.Gly1014Val; replaces glycine 1014 with valine.
Molecular consequence: missense variant.
Genome position (GRCh38, 1-based): chr16:89,283,501, C>A on the plus strand (G>T on the coding strand, the complement: ANKRD11 is on the minus strand). VCF-style: chr16-89283501-C-A. GRCh37 (hg19) VCF-style: chr16-89349909-C-A.
Other names: c.3041G>T, p.Gly1014Val (NM_001256182.2, NM_001256183.2); short protein forms G1014V.
Identifiers: ClinVar variation 3666176 (VCV003666176.2).

ClinVar aggregate classification (germline): Uncertain significance (1 of 4 stars; one submission).

Conditions:
KBG syndrome (KBGS). Also called: ANKRD11-Related KBG Syndrome. Identifiers: Orphanet 2332, MedGen C0220687, MONDO:0007846, OMIM 148050.

gnomAD v4.1: 2 of 1,614,014 alleles (0.00012%); highest among the groups gnomAD compares: Admixed American, 0.0033%; no homozygotes.

Submission:

Labcorp Genetics (formerly Invitae), Labcorp
Classification: Uncertain significance for KBG syndrome. Last evaluated: 2024-10-22. Review status: criteria provided, single submitter. Criteria: Invitae Variant Classification Sherloc (09022015). Collection method: clinical testing. Allele origin: germline.
Comment: This sequence change replaces glycine, which is neutral and non-polar, with valine, which is neutral and non-polar, at codon 1014 of the ANKRD11 protein (p.Gly1014Val). This variant is present in population databases (no rsID available, gnomAD 0.006%). This variant has not been reported in the literature in individuals affected with ANKRD11-related conditions. Invitae Evidence Modeling of protein sequence and biophysical properties (such as structural, functional, and spatial information, amino acid conservation, physicochemical variation, residue mobility, and thermodynamic stability) indicates that this missense variant is not expected to disrupt ANKRD11 protein function with a negative predictive value of 95%. In summary, the available evidence is currently insufficient to determine the role of this variant in disease. Therefore, it has been classified as a Variant of Uncertain Significance.